The following is an entry in ClinVar:

NM_000260.4(MYO7A):c.2905-1G>C

Gene: MYO7A (myosin VIIA; plus strand). Cytogenetic location: 11q13.5.
Variant type: single nucleotide variant.
Coding change: c.2905-1G>C on transcript NM_000260.4 (MANE Select); the canonical splice acceptor site of the intron before coding-DNA position 2905, G replaced by C.
Molecular consequence: splice acceptor variant.
Genome position (GRCh38, 1-based): chr11:77,181,950, G>C. VCF-style: chr11-77181950-G-C. GRCh37 (hg19) VCF-style: chr11-76892996-G-C.
Other names: c.2872-1G>C (NM_001369365.1); c.2905-1G>C (NM_001127180.2).
Identifiers: ClinVar variation 964108 (VCV000964108.13), dbSNP rs1171417339, ClinGen allele CA381943753.

ClinVar aggregate classification (germline): Conflicting classifications of pathogenicity. Review status: criteria provided, conflicting classifications (1 of 4 stars). 3 submissions from 3 submitters: Likely pathogenic (2); Uncertain significance (1). Last evaluated 2025-06-09.

Conditions:
Usher syndrome type 1B (USH1B). Also called: Usher syndrome type IB. Identifiers: MedGen C1848638, MONDO:0700087.
Usher syndrome type 1 (USH1). Also called: RETINITIS PIGMENTOSA AND CONGENITAL DEAFNESS. Identifiers: Orphanet 231169, Orphanet 886, MedGen C1568247, MONDO:0010168, OMIM 276900.

Submissions (3):

Natera, Inc.
Classification: Likely pathogenic for Usher syndrome type 1B. Last evaluated: 2025-06-09. Review status: criteria provided, single submitter. Criteria: Natera Variant Classification Schema (03/2026). Collection method: clinical testing. Allele origin: germline.
Comment: The c.2905-1G>C variant in MYO7A is a canonical splice acceptor site variant predicted to affect pre-mRNA splicing, which may result in an abnormal transcript and altered protein product. This variant is expected to result in nonsense mediated decay, truncation, or a dysfunctional protein product. This variant is rare in the general population with a frequency below the threshold expected for the associated phenotype(s). Given the available evidence, this variant is classified as Likely Pathogenic.

New York Genome Center
Classification: Uncertain significance for Usher syndrome type 1. Last evaluated: 2021-04-30. Review status: criteria provided, single submitter. Criteria: NYGC Assertion Criteria 2020. Collection method: clinical testing. Allele origin: inherited. Observed: 1 compound heterozygote. Study: CSER-NYCKidSeq.

Labcorp Genetics (formerly Invitae), Labcorp
Classification: Likely pathogenic. Last evaluated: 2019-11-05. Review status: criteria provided, single submitter. Criteria: Invitae Variant Classification Sherloc (09022015). Collection method: clinical testing. Allele origin: germline.
Comment: Algorithms developed to predict the effect of sequence changes on RNA splicing suggest that this variant may disrupt the consensus splice site, but this prediction has not been confirmed by published transcriptional studies. Donor and acceptor splice site variants typically lead to a loss of protein function (PMID: 16199547), and loss-of-function variants in MYO7A are known to be pathogenic (PMID: 8900236, 25404053). In summary, the currently available evidence indicates that the variant is pathogenic, but additional data are needed to prove that conclusively. Therefore, this variant has been classified as Likely Pathogenic. Disruption of this splice site has been observed in individual(s) with Usher syndrome (PMID: 28041643). This sequence change affects an acceptor splice site in intron 23 of the MYO7A gene. It is expected to disrupt RNA splicing and likely results in an absent or disrupted protein product. This variant is not present in population databases (ExAC no frequency).

Literature cited by the submitters: PubMed 16199547 (cited by Labcorp Genetics (formerly Invitae), Labcorp); PubMed 8900236 (cited by Labcorp Genetics (formerly Invitae), Labcorp); PubMed 25404053 (cited by Labcorp Genetics (formerly Invitae), Labcorp); PubMed 28041643 (cited by Labcorp Genetics (formerly Invitae), Labcorp).